The following is an entry in ClinVar:

NM_012309.5(SHANK2):c.885T>C (p.Asp295=)

Gene: SHANK2 (SH3 and multiple ankyrin repeat domains 2; minus strand). Cytogenetic location: 11q13.4.
Variant type: single nucleotide variant.
Coding change: c.885T>C on transcript NM_012309.5 (MANE Select); coding-DNA position 885, T replaced by C.
Protein change: p.Asp295=; no amino-acid change (aspartic acid 295 retained).
Molecular consequence: synonymous variant.
Genome position (GRCh38, 1-based): chr11:71,092,449, A>G on the plus strand (T>C on the coding strand, the complement: SHANK2 is on the minus strand). VCF-style: chr11-71092449-A-G. GRCh37 (hg19) VCF-style: chr11-70803495-A-G.
Identifiers: ClinVar variation 3031430 (VCV003031430.2), dbSNP rs1951535084, ClinGen allele CA475814637.

ClinVar aggregate classification (germline): Likely benign (0 of 4 stars; one submission).

Conditions:
SHANK2-related disorder.

Allele frequency attached by ClinVar (database versions not stated): TOPMed below 0.00001.

Submission:

PreventionGenetics, part of Exact Sciences
Classification: Likely benign for SHANK2-related condition. Last evaluated: 2021-04-15. Review status: no assertion criteria provided. Collection method: clinical testing. Allele origin: germline.
Comment: This variant is classified as likely benign based on ACMG/AMP sequence variant interpretation guidelines (Richards et al. 2015 PMID: 25741868, with internal and published modifications).